The following is an entry in ClinVar:

ClinVar aggregate classification (germline): Likely benign. Review status: criteria provided, multiple submitters, no conflicts (2 of 4 stars). 3 submissions from 3 submitters: Likely benign (2). 1 of the submissions does not count toward it. Last evaluated 2025-07-16.

Conditions:
PCNT-related disorder. Also called: PCNT-related condition.

Allele frequency attached by ClinVar (database versions not stated): ExAC 0.00001; gnomAD 0.00001; gnomAD exomes 0.00001 and 0.00002; TOPMed 0.00001; ESP Exome Variant Server 0.00015.
gnomAD v4.1: 17 of 1,613,406 alleles (0.0011%); highest among the groups gnomAD compares: Non-Finnish European, 0.0014%; no homozygotes.

Submissions (3):

Labcorp Genetics (formerly Invitae), Labcorp
Classification: Likely benign. Last evaluated: 2025-07-16. Review status: criteria provided, single submitter. Criteria: Invitae Variant Classification Sherloc (09022015). Collection method: clinical testing. Allele origin: germline.

GeneDx
Classification: Likely benign. Last evaluated: 2016-05-13. Review status: criteria provided, single submitter. Criteria: GeneDx Variant Classification (06012015). Collection method: clinical testing. Allele origin: germline. Affected: yes.
Comment: This variant is considered likely benign or benign based on one or more of the following criteria: it is a conservative change, it occurs at a poorly conserved position in the protein, it is predicted to be benign by multiple in silico algorithms, and/or has population frequency not consistent with disease.

PreventionGenetics, part of Exact Sciences
Classification: Likely benign for PCNT-related condition. Last evaluated: 2024-08-13. Review status: no assertion criteria provided. Collection method: clinical testing. Allele origin: germline. Not counted in ClinVar's aggregate classification.
Comment: This variant is classified as likely benign based on ACMG/AMP sequence variant interpretation guidelines (Richards et al. 2015 PMID: 25741868, with internal and published modifications).

NM_006031.6(PCNT):c.3924G>A (p.Lys1308=)

Gene: PCNT (pericentrin; plus strand). Cytogenetic location: 21q22.3.
Variant type: single nucleotide variant.
Coding change: c.3924G>A on transcript NM_006031.6 (MANE Select); coding-DNA position 3924, G replaced by A.
Protein change: p.Lys1308=; no amino-acid change (lysine 1308 retained).
Molecular consequence: synonymous variant.
Genome position (GRCh38, 1-based): chr21:46,390,753, G>A. VCF-style: chr21-46390753-G-A. GRCh37 (hg19) VCF-style: chr21-47810668-G-A.
Other names: c.3570G>A, p.Lys1190= (NM_001315529.2).
Identifiers: ClinVar variation 386184 (VCV000386184.8), dbSNP rs139543323, ClinGen allele CA10079486.
Genomic context (GRCh38, chr21:46,390,753, plus strand): 5'-TTCTCGTTTTGAAAAAGAATTTAGTTTTAAGAATGAGGAGACAGCACAGGTTGTCAGGAA[G>A]CACCAGGAGCTGCTGGAGTGTTTGAAGGAGGAGAGCGCAGCAAAGGCAGAGCTGGCGCTG-3'
Protein context (NP_006022.3, residues 1298-1318): KNEETAQVVR[Lys1308=]HQELLECLKE